The following is an entry in ClinVar:

ClinVar aggregate classification (germline): Uncertain significance (1 of 4 stars; one submission).

Submission:

Labcorp Genetics (formerly Invitae), Labcorp
Classification: Uncertain significance. Last evaluated: 2022-04-08. Review status: criteria provided, single submitter. Criteria: Invitae Variant Classification Sherloc (09022015). Collection method: clinical testing. Allele origin: germline.
Comment: This variant results in a copy number gain of the genomic region encompassing exon(s) 1-7 of the ADAMTS17 gene. This region includes the initiator codon of the gene. This copy number gain extends beyond the assayed region for this gene and therefore may encompass additional genes. As the precise location of this event is unknown, it may be in tandem or it may be located elsewhere in the genome. This variant has not been reported in the literature in individuals affected with ADAMTS17-related conditions. Experimental studies and prediction algorithms are not available or were not evaluated, and the functional significance of this variant is currently unknown. In summary, the available evidence is currently insufficient to determine the role of this variant in disease. Therefore, it has been classified as a Variant of Uncertain Significance.

NC_000015.9:g.(?_100794321)_(100996271_?)dup

Genes: ADAMTS17 (ADAM metallopeptidase with thrombospondin type 1 motif 17; minus strand), CERS3 (ceramide synthase 3; minus strand). Cytogenetic location: 15q26.3.
Variant type: Duplication.
Identifiers: ClinVar variation 2427278 (VCV002427278.4).